The following is an entry in ClinVar:

NM_003718.5(CDK13):c.2150G>T (p.Gly717Val)

Gene: CDK13 (cyclin dependent kinase 13; plus strand). Cytogenetic location: 7p14.1.
Variant type: single nucleotide variant.
Coding change: c.2150G>T on transcript NM_003718.5 (MANE Select); coding-DNA position 2150, G replaced by T.
Protein change: p.Gly717Val; replaces glycine 717 with valine.
Molecular consequence: missense variant.
Genome position (GRCh38, 1-based): chr7:39,999,468, G>T. VCF-style: chr7-39999468-G-T. GRCh37 (hg19) VCF-style: chr7-40039067-G-T.
Other names: c.2150G>T, p.Gly717Val (NM_031267.4); short protein forms G717V.
Identifiers: ClinVar variation 3489432 (VCV003489432.1).

ClinVar aggregate classification (germline): Uncertain significance (1 of 4 stars; one submission).

Conditions:
Inborn genetic diseases. Identifiers: MedGen C0950123, MeSH D030342.

Submission:

Ambry Genetics
Classification: Uncertain significance for Inborn genetic diseases. Last evaluated: 2024-09-30. Review status: criteria provided, single submitter. Criteria: Ambry Variant Classification Scheme 2023. Collection method: clinical testing. Allele origin: germline.
Comment: The c.2150G>T (p.G717V) alteration is located in exon 4 (coding exon 4) of the CDK13 gene. This alteration results from a G to T substitution at nucleotide position 2150, causing the glycine (G) at amino acid position 717 to be replaced by a valine (V). This variant was not reported in population-based cohorts in the Genome Aggregation Database (gnomAD). Another alteration at the same codon, c.2149G>A (p.G717R), has been determined to be the result of a de novo mutation in multiple individuals with features consistent with CDK13-related neurodevelopmental disorder (Deciphering Developmental Disorders, 2017; Sifrim, 2016; Marwaha, 2022). This amino acid position is highly conserved in available vertebrate species. This missense alteration is located in a region that has a low rate of benign missense variation (Lek, 2016; Firth, 2009). This alteration is predicted to be deleterious by in silico analysis. Based on insufficient or conflicting evidence, the clinical significance of this alteration remains unclear.

Literature cited by the submitters: PubMed 27479907; PubMed 28135719; PubMed 35043535.